The following is an entry in ClinVar:

NM_203447.4(DOCK8):c.4117G>A (p.Gly1373Arg)

Gene: DOCK8 (dedicator of cytokinesis 8; plus strand). Cytogenetic location: 9p24.3.
Variant type: single nucleotide variant.
Coding change: c.4117G>A on transcript NM_203447.4 (MANE Select); coding-DNA position 4117, G replaced by A.
Protein change: p.Gly1373Arg; replaces glycine 1373 with arginine.
Molecular consequence: missense variant.
Genome position (GRCh38, 1-based): chr9:421,042, G>A. VCF-style: chr9-421042-G-A. GRCh37 (hg19) VCF-style: chr9-421042-G-A.
Other names: c.3817G>A, p.Gly1273Arg (NM_001190458.2); c.3913G>A, p.Gly1305Arg (NM_001193536.2); short protein forms G1273R, G1305R, G1373R.
Identifiers: ClinVar variation 2629732 (VCV002629732.1), dbSNP rs2056254895, ClinGen allele CA372764467.

ClinVar aggregate classification (germline): Uncertain significance (1 of 4 stars; one submission).

Conditions:
DOCK8-related disorder. Also called: DOCK8-related condition.

Submission:

PreventionGenetics, part of Exact Sciences
Classification: Uncertain significance for DOCK8-related condition. Last evaluated: 2022-12-29. Review status: criteria provided, single submitter. Criteria: ACMG Guidelines, 2015. Collection method: clinical testing. Allele origin: germline.
Comment: The DOCK8 c.4117G>A variant is predicted to result in the amino acid substitution p.Gly1373Arg. To our knowledge, this variant has not been reported in the literature or in a large population database, indicating this variant is rare. At this time, the clinical significance of this variant is uncertain due to the absence of conclusive functional and genetic evidence.